The following is an entry in ClinVar:

NM_001190274.2(FBXO11):c.1702+7G>A

Gene: FBXO11 (F-box protein 11; minus strand). Cytogenetic location: 2p16.3.
Variant type: single nucleotide variant.
Coding change: c.1702+7G>A on transcript NM_001190274.2 (MANE Select); 7 bases into the intron after coding-DNA position 1702, G replaced by A.
Molecular consequence: intron variant.
Genome position (GRCh38, 1-based): chr2:47,822,211, C>T on the plus strand (G>A on the coding strand, the complement: FBXO11 is on the minus strand). VCF-style: chr2-47822211-C-T. GRCh37 (hg19) VCF-style: chr2-48049350-C-T.
Other names: c.1450+7G>A (NM_001374325.1, NM_025133.4); c.1702+7G>A (NM_001190274.1).
Identifiers: ClinVar variation 1402430 (VCV001402430.16), dbSNP rs201603297, ClinGen allele CA1649783.

ClinVar aggregate classification (germline): Likely benign. Review status: criteria provided, multiple submitters, no conflicts (2 of 4 stars). 3 submissions from 3 submitters: Likely benign (2). 1 of the submissions does not count toward it. Last evaluated 2025-11-01.

Conditions:
FBXO11-related disorder. Also called: FBXO11-related condition.

Allele frequency attached by ClinVar (database versions not stated): gnomAD 0.00003; TOPMed 0.00003.
gnomAD v4.1: 47 of 1,567,490 alleles (0.003%); highest among the groups gnomAD compares: East Asian, 0.025%; no homozygotes.

Submissions (3):

CeGaT Center for Human Genetics Tuebingen
Classification: Likely benign. Last evaluated: 2025-11-01. Review status: criteria provided, single submitter. Criteria: CeGaT Center For Human Genetics Tuebingen Variant Classification Criteria Version 2. Collection method: clinical testing. Allele origin: germline. Affected: yes. Observed: 1 variant allele.
Comment: FBXO11: BP4, BS2

Labcorp Genetics (formerly Invitae), Labcorp
Classification: Likely benign. Last evaluated: 2025-09-06. Review status: criteria provided, single submitter. Criteria: Invitae Variant Classification Sherloc (09022015). Collection method: clinical testing. Allele origin: germline.

PreventionGenetics, part of Exact Sciences
Classification: Likely benign for FBXO11-related condition. Last evaluated: 2019-02-19. Review status: no assertion criteria provided. Collection method: clinical testing. Allele origin: germline. Not counted in ClinVar's aggregate classification.
Comment: This variant is classified as likely benign based on ACMG/AMP sequence variant interpretation guidelines (Richards et al. 2015 PMID: 25741868, with internal and published modifications).